The following is an entry in ClinVar:

ClinVar aggregate classification (germline): Uncertain significance. Review status: criteria provided, multiple submitters, no conflicts (2 of 4 stars). 2 submissions from 2 submitters: Uncertain significance (2). Last evaluated 2025-04-30.

gnomAD v4.1: 3 of 1,605,416 alleles (0.00019%); highest among the groups gnomAD compares: Non-Finnish European, 0.00025%; no homozygotes.

Submissions (2):

Women's Health and Genetics/Laboratory Corporation of America, LabCorp
Classification: Uncertain significance. Last evaluated: 2025-04-30. Review status: criteria provided, single submitter. Criteria: LabCorp Variant Classification Summary - May 2015. Collection method: clinical testing. Allele origin: germline.
Comment: Variant summary: KMT2B c.2578G>A (p.Glu860Lys) results in a conservative amino acid change in the encoded protein sequence. Four of five in-silico tools predict a damaging effect of the variant on protein function. The variant allele was found at a frequency of 4.2e-06 in 237016 control chromosomes. The available data on variant occurrences in the general population are insufficient to allow any conclusion about variant significance. To our knowledge, no occurrence of c.2578G>A in individuals affected with Dystonia 28, Childhood-Onset and no experimental evidence demonstrating its impact on protein function have been reported. ClinVar contains an entry for this variant (Variation ID: 3611515). Based on the evidence outlined above, the variant was classified as uncertain significance.

Labcorp Genetics (formerly Invitae), Labcorp
Classification: Uncertain significance. Last evaluated: 2024-04-17. Review status: criteria provided, single submitter. Criteria: Invitae Variant Classification Sherloc (09022015). Collection method: clinical testing. Allele origin: germline.
Comment: This sequence change replaces glutamic acid, which is acidic and polar, with lysine, which is basic and polar, at codon 860 of the KMT2B protein (p.Glu860Lys). The frequency data for this variant in the population databases is considered unreliable, as metrics indicate poor data quality at this position in the gnomAD database. This variant has not been reported in the literature in individuals affected with KMT2B-related conditions. Advanced modeling of protein sequence and biophysical properties (such as structural, functional, and spatial information, amino acid conservation, physicochemical variation, residue mobility, and thermodynamic stability) performed at Invitae indicates that this missense variant is not expected to disrupt KMT2B protein function with a negative predictive value of 80%. In summary, the available evidence is currently insufficient to determine the role of this variant in disease. Therefore, it has been classified as a Variant of Uncertain Significance.

NM_014727.3(KMT2B):c.2578G>A (p.Glu860Lys)

Gene: KMT2B (lysine methyltransferase 2B; plus strand). Cytogenetic location: 19q13.12.
Variant type: single nucleotide variant.
Coding change: c.2578G>A on transcript NM_014727.3 (MANE Select); coding-DNA position 2578, G replaced by A.
Protein change: p.Glu860Lys; replaces glutamic acid 860 with lysine.
Molecular consequence: missense variant.
Genome position (GRCh38, 1-based): chr19:35,722,574, G>A. VCF-style: chr19-35722574-G-A. GRCh37 (hg19) VCF-style: chr19-36213476-G-A.
Other names: short protein forms E860K.
Identifiers: ClinVar variation 3611515 (VCV003611515.4).